The following is an entry in ClinVar:

ClinVar aggregate classification (germline): Uncertain significance (1 of 4 stars; one submission).

Conditions:
Epileptic encephalopathy. Identifiers: MedGen C0543888, HP:0200134.

Allele frequency attached by ClinVar (database versions not stated): gnomAD 0.00001; ExAC 0.00005; 1000 Genomes Project 30x 0.00016; gnomAD exomes 0.00001; TOPMed 0.00002; 1000 Genomes Project 0.00020.
gnomAD v4.1: 11 of 1,611,442 alleles (0.00068%); highest among the groups gnomAD compares: East Asian, 0.022%; no homozygotes.

Submission:

Labcorp Genetics (formerly Invitae), Labcorp
Classification: Uncertain significance for Epileptic encephalopathy. Last evaluated: 2025-09-20. Review status: criteria provided, single submitter. Criteria: Invitae Variant Classification Sherloc (09022015). Collection method: clinical testing. Allele origin: germline.
Comment: This sequence change replaces glutamic acid, which is acidic and polar, with lysine, which is basic and polar, at codon 1014 of the FASN protein (p.Glu1014Lys). This variant is present in population databases (rs200819909, gnomAD 0.06%). This variant has not been reported in the literature in individuals affected with FASN-related conditions. ClinVar contains an entry for this variant (Variation ID: 2901972). An algorithm developed to predict the effect of missense changes on protein structure and function (PolyPhen-2) suggests that this variant is likely to be tolerated. In summary, the available evidence is currently insufficient to determine the role of this variant in disease. Therefore, it has been classified as a Variant of Uncertain Significance.

NM_004104.5(FASN):c.3040G>A (p.Glu1014Lys)

Gene: FASN (fatty acid synthase; minus strand). Cytogenetic location: 17q25.3.
Variant type: single nucleotide variant.
Coding change: c.3040G>A on transcript NM_004104.5 (MANE Select); coding-DNA position 3040, G replaced by A.
Protein change: p.Glu1014Lys; replaces glutamic acid 1014 with lysine.
Molecular consequence: missense variant.
Genome position (GRCh38, 1-based): chr17:82,087,688, C>T on the plus strand (G>A on the coding strand, the complement: FASN is on the minus strand). VCF-style: chr17-82087688-C-T. GRCh37 (hg19) VCF-style: chr17-80045564-C-T.
Other names: short protein forms E1014K.
Identifiers: ClinVar variation 2901972 (VCV002901972.3), dbSNP rs200819909, ClinGen allele CA8852545.